The following is an entry in ClinVar:

ClinVar aggregate classification (germline): Uncertain significance (1 of 4 stars; one submission).

Conditions:
Inborn genetic diseases. Identifiers: MedGen C0950123, MeSH D030342.

gnomAD v4.1: 1 of 1,612,076 alleles (0.000062%); no homozygotes.

Submission:

Ambry Genetics
Classification: Uncertain significance for Inborn genetic diseases. Last evaluated: 2024-11-24. Review status: criteria provided, single submitter. Criteria: Ambry Variant Classification Scheme 2023. Collection method: clinical testing. Allele origin: germline.
Comment: The p.A167P variant (also known as c.499G>C), located in coding exon 4 of the BMPR2 gene, results from a G to C substitution at nucleotide position 499. The alanine at codon 167 is replaced by proline, an amino acid with highly similar properties. This amino acid position is conserved. In addition, this alteration is predicted to be deleterious by in silico analysis. Based on the available evidence, the clinical significance of this variant remains unclear.

NM_001204.7(BMPR2):c.499G>C (p.Ala167Pro)

Gene: BMPR2 (bone morphogenetic protein receptor type 2; plus strand). Cytogenetic location: 2q33.2.
Variant type: single nucleotide variant.
Coding change: c.499G>C on transcript NM_001204.7 (MANE Select); coding-DNA position 499, G replaced by C.
Protein change: p.Ala167Pro; replaces alanine 167 with proline.
Molecular consequence: missense variant.
Genome position (GRCh38, 1-based): chr2:202,513,799, G>C. VCF-style: chr2-202513799-G-C. GRCh37 (hg19) VCF-style: chr2-203378522-G-C.
Other names: short protein forms A167P.
Identifiers: ClinVar variation 3481290 (VCV003481290.1).